The following is an entry in ClinVar:

ClinVar aggregate classification (germline): Uncertain significance (1 of 4 stars; one submission).

gnomAD v4.1: 1 of 1,557,474 alleles (0.000064%); highest among the groups gnomAD compares: Admixed American, 0.002%; no homozygotes.

Submission:

Labcorp Genetics (formerly Invitae), Labcorp
Classification: Uncertain significance. Last evaluated: 2025-05-05. Review status: criteria provided, single submitter. Criteria: Invitae Variant Classification Sherloc (09022015). Collection method: clinical testing. Allele origin: germline.
Comment: This sequence change replaces glycine, which is neutral and non-polar, with alanine, which is neutral and non-polar, at codon 317 of the HNRNPK protein (p.Gly317Ala). This variant is present in population databases (rs771055929, gnomAD 0.004%). This variant has not been reported in the literature in individuals affected with HNRNPK-related conditions. Invitae Evidence Modeling of protein sequence and biophysical properties (such as structural, functional, and spatial information, amino acid conservation, physicochemical variation, residue mobility, and thermodynamic stability) indicates that this missense variant is not expected to disrupt HNRNPK protein function with a negative predictive value of 80%. In summary, the available evidence is currently insufficient to determine the role of this variant in disease. Therefore, it has been classified as a Variant of Uncertain Significance.

NM_031263.4(HNRNPK):c.950G>C (p.Gly317Ala)

Gene: HNRNPK (heterogeneous nuclear ribonucleoprotein K; minus strand). Cytogenetic location: 9q21.32.
Variant type: single nucleotide variant.
Coding change: c.950G>C on transcript NM_031263.4 (MANE Select); coding-DNA position 950, G replaced by C.
Protein change: p.Gly317Ala; replaces glycine 317 with alanine.
Molecular consequence: missense variant.
Genome position (GRCh38, 1-based): chr9:83,971,885, C>G on the plus strand (G>C on the coding strand, the complement: HNRNPK is on the minus strand). VCF-style: chr9-83971885-C-G. GRCh37 (hg19) VCF-style: chr9-86586800-C-G.
Other names: c.878G>C, p.Gly293Ala (NM_001318186.2, NM_001318187.2); c.950G>C, p.Gly317Ala (NM_001318188.2, NM_002140.5, NM_031262.4); short protein forms G293A, G317A.
Identifiers: ClinVar variation 4766878 (VCV004766878.1).